The following is an entry in ClinVar:

ClinVar aggregate classification (germline): Uncertain significance (1 of 4 stars; one submission).

Submission:

GeneDx
Classification: Uncertain significance. Last evaluated: 2024-01-04. Review status: criteria provided, single submitter. Criteria: GeneDx Variant Classification Process June 2021. Collection method: clinical testing. Allele origin: germline. Affected: yes.
Comment: Not observed at significant frequency in large population cohorts (gnomAD); In silico analysis supports that this missense variant has a deleterious effect on protein structure/function; Has not been previously published as pathogenic or benign to our knowledge

NM_002470.4(MYH3):c.989T>C (p.Leu330Pro)

Gene: MYH3 (myosin heavy chain 3; minus strand). Cytogenetic location: 17p13.1.
Variant type: single nucleotide variant.
Coding change: c.989T>C on transcript NM_002470.4 (MANE Select); coding-DNA position 989, T replaced by C.
Protein change: p.Leu330Pro; replaces leucine 330 with proline.
Molecular consequence: missense variant.
Genome position (GRCh38, 1-based): chr17:10,645,942, A>G on the plus strand (T>C on the coding strand, the complement: MYH3 is on the minus strand). VCF-style: chr17-10645942-A-G. GRCh37 (hg19) VCF-style: chr17-10549259-A-G.
Other names: short protein forms L330P.
Identifiers: ClinVar variation 3367566 (VCV003367566.1).